The following is an entry in ClinVar:

ClinVar aggregate classification (germline): Uncertain significance (1 of 4 stars; one submission).

Conditions:
Inborn genetic diseases. Identifiers: MedGen C0950123, MeSH D030342.

gnomAD v4.1: 1 of 1,614,158 alleles (0.000062%); highest among the groups gnomAD compares: Non-Finnish European, 0.000085%; no homozygotes.

Submission:

Ambry Genetics
Classification: Uncertain significance for Inborn genetic diseases. Last evaluated: 2025-09-26. Review status: criteria provided, single submitter. Criteria: Ambry Variant Classification Scheme 2023. Collection method: clinical testing. Allele origin: germline.
Comment: The c.3728T>A (p.L1243Q) alteration is located in exon 30 (coding exon 30) of the CACNA1S gene. This alteration results from a T to A substitution at nucleotide position 3728, causing the leucine (L) at amino acid position 1243 to be replaced by a glutamine (Q). Based on data from gnomAD, the A allele has an overall frequency of <0.001% (1/251300) total alleles studied. The highest observed frequency was 0.001% (1/113594) of European (non-Finnish) alleles. Based on insufficient or conflicting evidence, the clinical significance of this alteration remains unclear.

NM_000069.3(CACNA1S):c.3728T>A (p.Leu1243Gln)

Gene: CACNA1S (calcium voltage-gated channel subunit alpha1 S; minus strand). Cytogenetic location: 1q32.1.
Variant type: single nucleotide variant.
Coding change: c.3728T>A on transcript NM_000069.3 (MANE Select); coding-DNA position 3728, T replaced by A.
Protein change: p.Leu1243Gln; replaces leucine 1243 with glutamine.
Molecular consequence: missense variant.
Genome position (GRCh38, 1-based): chr1:201,053,526, A>T on the plus strand (T>A on the coding strand, the complement: CACNA1S is on the minus strand). VCF-style: chr1-201053526-A-T. GRCh37 (hg19) VCF-style: chr1-201022654-A-T.
Other names: short protein forms L1243Q.
Identifiers: ClinVar variation 4603665 (VCV004603665.1).